The following is an entry in ClinVar:

ClinVar aggregate classification (germline): Pathogenic/Likely pathogenic. Review status: criteria provided, multiple submitters, no conflicts (2 of 4 stars). 10 submissions from 10 submitters: Pathogenic (5); Likely pathogenic (2). 3 of the submissions do not count toward it. Last evaluated 2025-04-15.

Conditions:
Inborn genetic diseases. Identifiers: MedGen C0950123, MeSH D030342.
Niemann-Pick disease, type C1. Also called: NEUROVISCERAL STORAGE DISEASE WITH VERTICAL SUPRANUCLEAR OPHTHALMOPLEGIA; NIEMANN-PICK DISEASE WITH CHOLESTEROL ESTERIFICATION BLOCK; NIEMANN-PICK DISEASE WITHOUT SPHINGOMYELINASE DEFICIENCY; NIEMANN-PICK DISEASE, CHRONIC NEURONOPATHIC FORM; NIEMANN-PICK DISEASE, VARIANT TYPE C1. Identifiers: Orphanet 646, MedGen C3179455, MONDO:0009757, OMIM 257220.

Allele frequency attached by ClinVar (database versions not stated): TOPMed below 0.00001; gnomAD 0.00001.
gnomAD v4.1: 3 of 1,614,078 alleles (0.00019%); highest among the groups gnomAD compares: Admixed American, 0.0033%; no homozygotes.

Submissions (10):

GeneDx
Classification: Pathogenic. Last evaluated: 2025-04-15. Review status: criteria provided, single submitter. Criteria: GeneDx Variant Classification Process June 2021. Collection method: clinical testing. Allele origin: germline. Affected: yes.
Comment: Not observed in large population cohorts (gnomAD); In silico analysis, which includes protein predictors and evolutionary conservation, supports a deleterious effect; This variant is associated with the following publications: (PMID: 11479732, 12955717, 25131710, 12974729, 20301473, 19744920, 16098014, 20826119, 16126423, 15459971, 10521297, 425535, 30820861, 30985853, 31589614, 20718790, 28222799, 22572546, 20525256)

Natera, Inc.
Classification: Pathogenic for Niemann-Pick disease type C1. Last evaluated: 2025-03-11. Review status: criteria provided, single submitter. Criteria: Natera Variant Classification Schema (03/2026). Collection method: clinical testing. Allele origin: germline.
Comment: The c.530G>A variant in NPC1 is a missense variant predicted to cause substitution of cysteine to tyrosine at amino acid 177. This variant is rare in the general population with a frequency below the threshold expected for the associated phenotype(s). This variant has been observed in one or more individuals affected with the associated recessive disease, as either homozygous or compound heterozygous with a second variant (PMID: 20718790, 16098014, 26239048, 32060698, 32745579). Additionally, this variant has been observed to segregate in affected family members (PMID: 16098014). Computational prediction algorithms indicate this variant is likely to affect gene or protein function. Given the available evidence, this variant is classified as Pathogenic.

Labcorp Genetics (formerly Invitae), Labcorp
Classification: Pathogenic for Niemann-Pick disease, type C1. Last evaluated: 2025-01-01. Review status: criteria provided, single submitter. Criteria: Invitae Variant Classification Sherloc (09022015). Collection method: clinical testing. Allele origin: germline.
Comment: This sequence change replaces cysteine, which is neutral and slightly polar, with tyrosine, which is neutral and polar, at codon 177 of the NPC1 protein (p.Cys177Tyr). This variant is not present in population databases (gnomAD no frequency). This missense change has been observed in individual(s) with Niemann-Pick type C (PMID: 11479732, 16098014, 28222799). ClinVar contains an entry for this variant (Variation ID: 2974). Invitae Evidence Modeling of protein sequence and biophysical properties (such as structural, functional, and spatial information, amino acid conservation, physicochemical variation, residue mobility, and thermodynamic stability) indicates that this missense variant is expected to disrupt NPC1 protein function with a positive predictive value of 95%. For these reasons, this variant has been classified as Pathogenic.

Genetic Services Laboratory, University of Chicago
Classification: Likely pathogenic. Last evaluated: 2024-03-11. Review status: criteria provided, single submitter. Criteria: ACMG Guidelines, 2015. Collection method: clinical testing. Allele origin: germline. Affected: yes.
Comment: DNA sequence analysis of the NPC1 gene demonstrated a sequence change, c.530G>A, in exon 5 that results in an amino acid change, p.Cys177Tyr. The p.Cys177Tyr change affects a highly conserved amino acid residue located in a domain of the NPC1 protein that is known to be functional. In-silico pathogenicity prediction tools (SIFT, PolyPhen2, Align GVGD, REVEL) provide contradictory results for the p.Cys177Tyr substitution. This sequence change has been reported in individual(s) with Niemann-Pick type C both in the homozygous and compound heterozygous states (PMID: 11479732, 32709131, 20718790, 16098014, 28222799). This sequence change has not been described in population databases such as ExAC and gnomAD (dbSNP rs80358252). Collectively, this evidence indicates that this sequence change is likely pathogenic, however functional studies have not been performed to prove this conclusively.

New York Genome Center
Classification: Pathogenic for Niemann-Pick disease, type C1. Last evaluated: 2021-04-02. Review status: criteria provided, single submitter. Criteria: NYGC Assertion Criteria 2020. Collection method: clinical testing. Allele origin: inherited. Observed: 1 variant allele. Study: CSER-NYCKidSeq.
Comment: The c.530G>A, p.Cys177Tyr missense variant identified in NPC1 has been reported as homozygous or compound heterozygous in multiple patients with severe infantile, late infantile, and juvenile Niemann-Pick disease type C [PMID: 11479732; PMID: 32709131; PMID: 20718790]. This variant has two heterozygous alleles in the gnomAD v3 database, indicating this is a rare allele and in silico tools predict a deleterious effect. Based on the available evidence, the inherited variant c.530G>A, p.Cys177Tyr in the NPC1 gene is classified as pathogenic.

Eurofins Ntd Llc (ga)
Classification: Pathogenic. Last evaluated: 2017-12-18. Review status: criteria provided, single submitter. Criteria: EGL Classification Definitions 2015. Collection method: clinical testing. Allele origin: germline. Observed: 1 variant allele, 1 heterozygote.

Ambry Genetics
Classification: Likely pathogenic for Inborn genetic diseases. Last evaluated: 2017-08-18. Review status: criteria provided, single submitter. Criteria: Ambry exome assertion method (8-5-2015). Collection method: clinical testing. Allele origin: germline. Affected: yes. Observed: 1 variant allele.

Counsyl
Classification: Likely pathogenic for Niemann-Pick disease type C1. Last evaluated: 2015-01-23. Review status: no assertion criteria provided. Collection method: literature only. Allele origin: unknown. Inheritance: Autosomal recessive inheritance. Not counted in ClinVar's aggregate classification.

OMIM
Classification: Pathogenic for NIEMANN-PICK DISEASE, TYPE C1. Last evaluated: 2001-07-01. Review status: no assertion criteria provided. Collection method: literature only. Allele origin: germline. Not counted in ClinVar's aggregate classification.

GeneReviews
No classification provided. Condition: Niemann-Pick disease, type C1. Review status: no classification provided. Collection method: literature only. Allele origin: unknown. Not counted in ClinVar's aggregate classification.

Literature cited by the submitters: PubMed 20718790 (cited by Natera, Inc. and New York Genome Center); PubMed 16098014 (cited by 4 submitters); PubMed 26239048 (cited by Natera, Inc.); PubMed 32060698 (cited by Natera, Inc.); PubMed 32745579 (cited by Natera, Inc.); PubMed 11479732 (cited by 5 submitters); PubMed 28222799 (cited by Labcorp Genetics (formerly Invitae), Labcorp); PubMed 32709131 (cited by New York Genome Center); PubMed 19563754 (cited by Ambry Genetics); PubMed 20826119 (cited by Counsyl); PubMed 16126423 (cited by Counsyl); PubMed 25131710 (cited by Counsyl); PubMed 20301473 (cited by GeneReviews); NCBI Bookshelf NBK1296 (cited by GeneReviews).

NM_000271.5(NPC1):c.530G>A (p.Cys177Tyr)

Gene: NPC1 (NPC intracellular cholesterol transporter 1; minus strand). Cytogenetic location: 18q11.2.
Variant type: single nucleotide variant.
Coding change: c.530G>A on transcript NM_000271.5 (MANE Select); coding-DNA position 530, G replaced by A.
Protein change: p.Cys177Tyr; replaces cysteine 177 with tyrosine.
Molecular consequence: missense variant.
Genome position (GRCh38, 1-based): chr18:23,561,461, C>T on the plus strand (G>A on the coding strand, the complement: NPC1 is on the minus strand). VCF-style: chr18-23561461-C-T. GRCh37 (hg19) VCF-style: chr18-21141425-C-T.
Other names: short protein forms C177Y.
Identifiers: ClinVar variation 2974 (VCV000002974.28), dbSNP rs80358252, ClinGen allele CA340035.